The following is an entry in ClinVar:

ClinVar aggregate classification (germline): Uncertain significance (1 of 4 stars; one submission).

Conditions:
Neuroblastoma, susceptibility to, 3. Also called: ALK-Related Neuroblastic Tumor Susceptibility. Identifiers: Orphanet 635, MedGen C2751681, MONDO:0013083, OMIM 613014.

Submission:

Labcorp Genetics (formerly Invitae), Labcorp
Classification: Uncertain significance for Neuroblastoma, susceptibility to, 3. Last evaluated: 2023-12-26. Review status: criteria provided, single submitter. Criteria: Invitae Variant Classification Sherloc (09022015). Collection method: clinical testing. Allele origin: germline.
Comment: This sequence change replaces leucine, which is neutral and non-polar, with valine, which is neutral and non-polar, at codon 280 of the ALK protein (p.Leu280Val). This variant is not present in population databases (gnomAD no frequency). This variant has not been reported in the literature in individuals affected with ALK-related conditions. An algorithm developed to predict the effect of missense changes on protein structure and function (PolyPhen-2) suggests that this variant is likely to be disruptive. In summary, the available evidence is currently insufficient to determine the role of this variant in disease. Therefore, it has been classified as a Variant of Uncertain Significance.

NM_004304.5(ALK):c.838C>G (p.Leu280Val)

Gene: ALK (ALK receptor tyrosine kinase; minus strand). Cytogenetic location: 2p23.2.
Variant type: single nucleotide variant.
Coding change: c.838C>G on transcript NM_004304.5 (MANE Select); coding-DNA position 838, C replaced by G.
Protein change: p.Leu280Val; replaces leucine 280 with valine.
Molecular consequence: missense variant.
Genome position (GRCh38, 1-based): chr2:29,694,964, G>C on the plus strand (C>G on the coding strand, the complement: ALK is on the minus strand). VCF-style: chr2-29694964-G-C. GRCh37 (hg19) VCF-style: chr2-29917830-G-C.
Other names: short protein forms L280V.
Identifiers: ClinVar variation 2703882 (VCV002703882.3), dbSNP rs1287899598, ClinGen allele CA346587040.